The following is an entry in ClinVar:

NM_001035.3(RYR2):c.14638G>A (p.Val4880Ile)

Gene: RYR2 (ryanodine receptor 2; plus strand). Cytogenetic location: 1q43.
Variant type: single nucleotide variant.
Coding change: c.14638G>A on transcript NM_001035.3 (MANE Select); coding-DNA position 14638, G replaced by A.
Protein change: p.Val4880Ile; replaces valine 4880 with isoleucine.
Molecular consequence: missense variant.
Genome position (GRCh38, 1-based): chr1:237,828,428, G>A. VCF-style: chr1-237828428-G-A. GRCh37 (hg19) VCF-style: chr1-237991728-G-A.
Other names: short protein forms V4880I.
Identifiers: ClinVar variation 1439521 (VCV001439521.7), dbSNP rs2102926494, ClinGen allele CA345429420.

ClinVar aggregate classification (germline): Pathogenic (1 of 4 stars; one submission).

Conditions:
Catecholaminergic polymorphic ventricular tachycardia 1. Also called: VENTRICULAR TACHYCARDIA, CATECHOLAMINERGIC POLYMORPHIC, 1, WITH OR WITHOUT ATRIAL DYSFUNCTION AND/OR DILATED CARDIOMYOPATHY; RYR2-Related Catecholaminergic Polymorphic Ventricular Tachycardia; VENTRICULAR TACHYCARDIA, STRESS-INDUCED POLYMORPHIC 1. Identifiers: Orphanet 3286, MedGen C1631597, MONDO:0011484, OMIM 604772.

Submission:

Labcorp Genetics (formerly Invitae), Labcorp
Classification: Pathogenic for Catecholaminergic polymorphic ventricular tachycardia 1. Last evaluated: 2021-11-03. Review status: criteria provided, single submitter. Criteria: Invitae Variant Classification Sherloc (09022015). Collection method: clinical testing. Allele origin: germline.
Comment: For these reasons, this variant has been classified as Pathogenic. Advanced modeling of protein sequence and biophysical properties (such as structural, functional, and spatial information, amino acid conservation, physicochemical variation, residue mobility, and thermodynamic stability) performed at Invitae indicates that this missense variant is expected to disrupt RYR2 protein function. This missense change has been observed in individual(s) with RYR2-related conditions (Invitae). In at least one individual the variant was observed to be de novo. This variant is not present in population databases (gnomAD no frequency). This sequence change replaces valine, which is neutral and non-polar, with isoleucine, which is neutral and non-polar, at codon 4880 of the RYR2 protein (p.Val4880Ile).